The following is an entry in ClinVar:

NM_001042492.3(NF1):c.8070C>G (p.Tyr2690Ter)

Gene: NF1 (neurofibromin 1; plus strand). Cytogenetic location: 17q11.2.
Variant type: single nucleotide variant.
Coding change: c.8070C>G on transcript NM_001042492.3 (MANE Select); coding-DNA position 8070, C replaced by G.
Protein change: p.Tyr2690Ter; replaces tyrosine 2690 with a stop codon.
Molecular consequence: nonsense.
Genome position (GRCh38, 1-based): chr17:31,358,579, C>G. VCF-style: chr17-31358579-C-G. GRCh37 (hg19) VCF-style: chr17-29685597-C-G.
Other names: c.8007C>G, p.Tyr2669Ter (NM_000267.4); short protein forms Y2669*, Y2690*.
Identifiers: ClinVar variation 2835103 (VCV002835103.3), dbSNP rs2151585064, ClinGen allele CA399203860.

ClinVar aggregate classification (germline): Pathogenic (1 of 4 stars; one submission).

Conditions:
Neurofibromatosis, type 1 (NF1). Also called: VON RECKLINGHAUSEN DISEASE; NEUROFIBROMATOSIS, TYPE I, SOMATIC; Neurofibromatosis, type I; Peripheral type neurofibromatosis. Identifiers: Orphanet 636, MedGen C0027831, MONDO:0018975, OMIM 162200. Disease mechanism: loss of function.

Submission:

Labcorp Genetics (formerly Invitae), Labcorp
Classification: Pathogenic for Neurofibromatosis, type 1. Last evaluated: 2025-11-03. Review status: criteria provided, single submitter. Criteria: Invitae Variant Classification Sherloc (09022015). Collection method: clinical testing. Allele origin: germline.
Comment: This sequence change creates a premature translational stop signal (p.Tyr2669*) in the NF1 gene. It is expected to result in an absent or disrupted protein product. Loss-of-function variants in NF1 are known to be pathogenic (PMID: 10712197, 23913538). This variant is not present in population databases (gnomAD no frequency). This variant has not been reported in the literature in individuals affected with NF1-related conditions. ClinVar contains an entry for this variant (Variation ID: 2835103). For these reasons, this variant has been classified as Pathogenic.

Literature cited by the submitters: PubMed 10712197; PubMed 23913538.